The following is an entry in ClinVar:

ClinVar aggregate classification (germline): Uncertain significance (1 of 4 stars; one submission).

Conditions:
Usher syndrome type 1 (USH1). Also called: RETINITIS PIGMENTOSA AND CONGENITAL DEAFNESS. Identifiers: Orphanet 231169, Orphanet 886, MedGen C1568247, MONDO:0010168, OMIM 276900.

Submission:

3billion
Classification: Uncertain significance for Usher syndrome type 1. Last evaluated: 2022-01-03. Review status: criteria provided, single submitter. Criteria: ACMG Guidelines, 2015. Collection method: clinical testing. Allele origin: germline. Affected: yes. Observed: 1 heterozygote.
Comment: The variant not observed in the gnomAD v2.1.1 dataset (PM2_M). A different missense change at the same codon has been reported to be associated with MYO7A related disorder (PMID:19074810, PM5_P). In silico tool predictions suggest damaging effect of the variant on gene or gene product (REVEL: 0.912, PP3_P). Therefore, this variant is classified as uncertain significance according to the recommendation of ACMG/AMP guideline.

Literature cited by the submitters: PubMed 19074810.

NM_000260.4(MYO7A):c.6044A>G (p.Tyr2015Cys)

Gene: MYO7A (myosin VIIA; plus strand). Cytogenetic location: 11q13.5.
Variant type: single nucleotide variant.
Coding change: c.6044A>G on transcript NM_000260.4 (MANE Select); coding-DNA position 6044, A replaced by G.
Protein change: p.Tyr2015Cys; replaces tyrosine 2015 with cysteine.
Molecular consequence: missense variant.
Genome position (GRCh38, 1-based): chr11:77,208,796, A>G. VCF-style: chr11-77208796-A-G. GRCh37 (hg19) VCF-style: chr11-76919841-A-G.
Other names: c.5930A>G, p.Tyr1977Cys (NM_001127180.2); c.5897A>G, p.Tyr1966Cys (NM_001369365.1); short protein forms Y1966C, Y1977C, Y2015C.
Identifiers: ClinVar variation 1333289 (VCV001333289.1), dbSNP rs2135762121, ClinGen allele CA381934741.
Genomic context (GRCh38, chr11:77,208,796, plus strand): 5'-AGAAGCTGTGGACCACCACGGTGCCAGGGAAGGATCCCATGGCCGATTCCATCTTCCACT[A>G]TTACCAGGTGGGCACCTCTGCACTCTAGTTGCCTTCGTGCACAGCTAGCGTTGCTGTACT-3'
Protein context (NP_000251.3, residues 2005-2025): KDPMADSIFH[Tyr2015Cys]YQELPKYLRG